The following is an entry in ClinVar:

ClinVar aggregate classification (germline): Likely pathogenic (1 of 4 stars; one submission).

Submission:

GeneDx
Classification: Likely pathogenic. Last evaluated: 2024-06-12. Review status: criteria provided, single submitter. Criteria: GeneDx Variant Classification Process June 2021. Collection method: clinical testing. Allele origin: germline. Affected: yes.
Comment: Has not been previously published as pathogenic or benign to our knowledge; Not observed at significant frequency in large population cohorts (gnomAD); In silico analysis supports that this missense variant has a deleterious effect on protein structure/function; Affects a cysteine residue within a calcium-binding EGF-like domain of the FBN1 gene, which may affect disulfide bonding and is predicted to alter the structure and function of the protein; cysteine substitutions in the calcium-binding EGF-like domains represent the majority of pathogenic missense changes associated with FBN1-related disorders (PMID: 12938084); This variant is associated with the following publications: (PMID: 12938084)

NM_000138.5(FBN1):c.2809T>G (p.Cys937Gly)

Gene: FBN1 (fibrillin 1; minus strand). Cytogenetic location: 15q21.1.
Variant type: single nucleotide variant.
Coding change: c.2809T>G on transcript NM_000138.5 (MANE Select); coding-DNA position 2809, T replaced by G.
Protein change: p.Cys937Gly; replaces cysteine 937 with glycine.
Molecular consequence: missense variant.
Genome position (GRCh38, 1-based): chr15:48,492,506, A>C on the plus strand (T>G on the coding strand, the complement: FBN1 is on the minus strand). VCF-style: chr15-48492506-A-C. GRCh37 (hg19) VCF-style: chr15-48784703-A-C.
Other names: c.2809T>G, p.Cys937Gly (NM_001406716.1); short protein forms C937G.
Identifiers: ClinVar variation 3390654 (VCV003390654.1).